The following is an entry in ClinVar:

NM_003242.6(TGFBR2):c.476_483del (p.Asp159fs)

Gene: TGFBR2 (transforming growth factor beta receptor 2; plus strand). Cytogenetic location: 3p24.1.
Variant type: Deletion.
Coding change: c.476_483del on transcript NM_003242.6 (MANE Select); coding-DNA positions 476 to 483, 8 bases deleted (ACTTGTTG; older notation c.476_483delACTTGTTG).
Protein change: p.Asp159fs; shifts the reading frame from aspartic acid 159.
Molecular consequence: frameshift variant.
Genome position (GRCh38, 1-based): chr3:30,671,659-30,671,666, ACTTGTTG deleted; deleting any 8 consecutive bases within chr3:30,671,657-30,671,666 gives the same sequence; the c. name uses the placement nearest the transcript's 3' end. VCF-style (leftmost placement, unchanged base first): chr3-30671656-CTGACTTGT-C. GRCh37 (hg19) VCF-style: chr3-30713148-CTGACTTGT-C.
Other names: c.551_558delACTTGTTG, p.Asp184Alafs (NM_001024847.3); c.659_666delACTTGTTG, p.Asp220Alafs (NM_001407126.1); c.584_591delACTTGTTG, p.Asp195Alafs (NM_001407127.1); c.503_510delACTTGTTG, p.Asp168Alafs (NM_001407128.1); c.479_486delACTTGTTG, p.Asp160Alafs (NM_001407129.1); c.476_483delACTTGTTG, p.Asp159Alafs (NM_001407130.1); c.371_378delACTTGTTG, p.Asp124Alafs (NM_001407132.1, NM_001407133.1, NM_001407134.1 and 2 more transcripts); c.191_198delACTTGTTG, p.Asp64Alafs (NM_001407137.1); and 1 more; short protein forms D184fs, D159fs.
Identifiers: ClinVar variation 920619 (VCV000920619.4), dbSNP rs1699338750, ClinGen allele CA913203395.
Genomic context (GRCh38, chr3:30,671,656, plus strand): 5'-CCACATCCAACTCCTTCTCTCCTTGTTTTGTTTCCCCATCAGAATATAACACCAGCAATC[CTGACTTGT>C]TGCTAGTCATATTTCAAGTGACAGGCATCAGCCTCCTGCCACCACTGGGAGTTGCCATAT-3'

ClinVar aggregate classification (germline): Uncertain significance (1 of 4 stars; one submission).

Conditions:
Familial thoracic aortic aneurysm and aortic dissection (TAAD). Also called: Thoracic aortic aneurysms and dissections. Identifiers: Orphanet 91387, MedGen C4707243, MONDO:0019625.

Submission:

Color Diagnostics, LLC DBA Color Health
Classification: Uncertain significance for Familial thoracic aortic aneurysm and aortic dissection. Last evaluated: 2019-07-05. Review status: criteria provided, single submitter. Criteria: ACMG Guidelines, 2015. Collection method: clinical testing. Allele origin: germline.
Comment: This variant deletes 8 nucleotides in exon 5 of the TGFBR2 gene, creating a frameshift and premature translation stop signal. This variant is expected to result in an absent or non-functional protein product. To our knowledge, functional assays have not been performed for this variant nor has this variant been reported in individuals affected with cardiovascular disorders in the literature. This variant has not been identified in the general population by the Genome Aggregation Database (gnomAD). Clinical significance of loss-of-function truncation variants in the TGFBR2 gene is not clearly established. Available evidence is insufficient to determine the role of this variant in disease conclusively. Therefore, this variant is classified as a Variant of Uncertain Significance.